The following is an entry in ClinVar:

NM_000052.7(ATP7A):c.4227-1G>A

Gene: ATP7A (ATPase copper transporting alpha; plus strand). Cytogenetic location: Xq21.1.
Variant type: single nucleotide variant.
Coding change: c.4227-1G>A on transcript NM_000052.7 (MANE Select); the canonical splice acceptor site of the intron before coding-DNA position 4227, G replaced by A.
Molecular consequence: splice acceptor variant.
Genome position (GRCh38, 1-based): chrX:78,046,293, G>A. VCF-style: chrX-78046293-G-A. GRCh37 (hg19) VCF-style: chrX-77301790-G-A.
Other names: c.3993-1G>A (NM_001282224.2).
Identifiers: ClinVar variation 1302409 (VCV001302409.10), dbSNP rs782283173, ClinGen allele CA10459526.
Genomic context (GRCh38, chrX:78,046,293, plus strand): 5'-GTAGCGAGCATCTCATTTACTTTTGGTTATTTGAAACTAGCATACTTTTGCATATGTCCA[G>A]TTACAGGAAACCAACTTACGAGAGTTATGAACTGCCTGCCCGGAGCCAGATAGGACAGAA-3'

ClinVar aggregate classification (germline): Uncertain significance. Review status: criteria provided, multiple submitters, no conflicts (2 of 4 stars). 4 submissions from 4 submitters: Uncertain significance (4). Last evaluated 2026-10-26.

Conditions:
Menkes kinky-hair syndrome (MNK). Also called: Menkes Disease; Copper transport disease; Classic Menkes Disease. Identifiers: Orphanet 565, MedGen C0022716, MONDO:0010651, OMIM 309400.
X-linked distal spinal muscular atrophy type 3. Also called: ATP7A-Related Distal Motor Neuropathy; SPINAL MUSCULAR ATROPHY, DISTAL, X-LINKED RECESSIVE; NEURONOPATHY, DISTAL HEREDITARY MOTOR, X-LINKED; NEUROPATHY, DISTAL HEREDITARY MOTOR, X-LINKED. Identifiers: Orphanet 139557, MedGen C1845359, MONDO:0010338, OMIM 300489.
Cutis laxa, X-linked (OHS). Also called: EDS IX; Occipital horn syndrome. Identifiers: Orphanet 198, MedGen C0268353, MONDO:0010572, OMIM 304150.

Allele frequency attached by ClinVar (database versions not stated): TOPMed 0.00002; ExAC 0.00001; gnomAD exomes 0.00001 and 0.00002.
gnomAD v4.1: 4 of 1,211,335 alleles (0.00033%); highest among the groups gnomAD compares: Admixed American, 0.0087%; no homozygotes.

Submissions (4):

GeneDx
Classification: Uncertain significance. Last evaluated: 2026-10-26. Review status: criteria provided, single submitter. Criteria: GeneDx Variant Classification Process June 2021. Collection method: clinical testing. Allele origin: germline.
Comment: Canonical splice site variant predicted to result in an out-of-frame loss of the last exon in a gene for which loss of function is a known mechanism of disease; Has not been previously published as pathogenic or benign to our knowledge

Myriad Genetics, Inc.
Classification: Uncertain significance for Menkes kinky-hair syndrome. Last evaluated: 2026-06-09. Review status: criteria provided, single submitter. Criteria: Myriad Autosomal Dominant, Autosomal Recessive and X-Linked Classification Criteria (2023). Collection method: clinical testing. Allele origin: unknown.
Comment: NM_000052.5(ATP7A):c.4227-1G>A is a variant in a canonical splice site classified as a variant of uncertain significance in the context of ATP7A-related disorders. c.4227-1G>A has not been observed in cases with relevant disease. Relevant functional assessments of this variant are not available in the literature. c.4227-1G>A has been observed in referenced population frequency databases. In summary, there is insufficient evidence to classify NM_000052.5(ATP7A):c.4227-1G>A as pathogenic or benign. Please note: this variant was assessed in the context of healthy population screening.

Labcorp Genetics (formerly Invitae), Labcorp
Classification: Uncertain significance for X-linked distal spinal muscular atrophy type 3; Cutis laxa, X-linked; Menkes kinky-hair syndrome. Last evaluated: 2025-06-04. Review status: criteria provided, single submitter. Criteria: Invitae Variant Classification Sherloc (09022015). Collection method: clinical testing. Allele origin: germline.
Comment: This sequence change affects an acceptor splice site in intron 22 of the ATP7A gene. While this variant is not anticipated to result in nonsense mediated decay, it likely alters RNA splicing and results in a disrupted protein product. This variant is present in population databases (rs782283173, gnomAD 0.01%), including at least one homozygous and/or hemizygous individual. This variant has not been reported in the literature in individuals affected with ATP7A-related conditions. ClinVar contains an entry for this variant (Variation ID: 1302409). Variants that disrupt the consensus splice site are a relatively common cause of aberrant splicing (PMID: 17576681, 9536098). Algorithms developed to predict the effect of sequence changes on RNA splicing suggest that this variant may disrupt the consensus splice site. In summary, the available evidence is currently insufficient to determine the role of this variant in disease. Therefore, it has been classified as a Variant of Uncertain Significance.

Women's Health and Genetics/Laboratory Corporation of America, LabCorp
Classification: Uncertain significance. Last evaluated: 2021-11-19. Review status: criteria provided, single submitter. Criteria: LabCorp Variant Classification Summary - May 2015. Collection method: clinical testing. Allele origin: germline.
Comment: Variant summary: ATP7A c.4227-1G>A is located in a canonical splice-site and is predicted to affect mRNA splicing resulting in a significantly altered protein due to either exon skipping, shortening, or inclusion of intronic material. Several computational tools predict a significant impact on normal splicing: Two predict the variant abolishes a 3 acceptor site and three predict it creates/strengthens a cryptic exonic 3 acceptor site, 6 nucleotides downstream of the canonical one. This would result in an in-frame deletion of two amino acids from the encoded protein. However, these predictions have yet to be confirmed by functional studies. The variant allele was found at a frequency of 1.6e-05 in 182911 control chromosomes (gnomAD), including 1 hemizygote (40-45 years age category). To our knowledge, no occurrence of c.4227-1G>A in individuals affected with Menkes Kinky-Hair Syndrome and no experimental evidence demonstrating its impact on protein function have been reported. A ClinVar submitter (evaluation after 2014) cites the variant as uncertain significance. Based on the evidence outlined above, the variant was classified as uncertain significance.

Literature cited by the submitters: PubMed 17576681 (cited by Labcorp Genetics (formerly Invitae), Labcorp); PubMed 9536098 (cited by Labcorp Genetics (formerly Invitae), Labcorp).